The following is an entry in ClinVar:

NM_015450.3(POT1):c.813C>G (p.Tyr271Ter)

Gene: POT1 (protection of telomeres 1; minus strand). Cytogenetic location: 7q31.33.
Variant type: single nucleotide variant.
Coding change: c.813C>G on transcript NM_015450.3 (MANE Select); coding-DNA position 813, C replaced by G.
Protein change: p.Tyr271Ter; replaces tyrosine 271 with a stop codon.
Molecular consequence: nonsense. On other transcripts: non-coding transcript variant (3).
Genome position (GRCh38, 1-based): chr7:124,853,028, G>C on the plus strand (C>G on the coding strand, the complement: POT1 is on the minus strand). VCF-style: chr7-124853028-G-C. GRCh37 (hg19) VCF-style: chr7-124493082-G-C.
Other names: c.420C>G, p.Tyr140Ter (NM_001042594.2); short protein forms Y271*, Y140*.
Identifiers: ClinVar variation 5027169 (VCV005027169.1).
Genomic context (GRCh38, chr7:124,853,028, plus strand): 5'-TTACTTTTTCAGTTGATCCACATCAGAGTTACTTTCTGGCAAGACCCTGATTCCCCGACC[G>C]TAACTGGTACCTCCATGAAGATGAAACTCTAAACTTAACATTGTCTGATTCTCTGAATTC-3'

ClinVar aggregate classification (germline): Pathogenic (1 of 4 stars; one submission).

Conditions:
Hereditary cancer-predisposing syndrome. Also called: Neoplastic Syndromes, Hereditary; Tumor predisposition; Hereditary neoplastic syndrome; Hereditary Cancer Syndrome. Identifiers: Orphanet 140162, MedGen C0027672, MeSH D009386, MONDO:0015356.

Submission:

Ambry Genetics
Classification: Pathogenic for Hereditary cancer-predisposing syndrome. Last evaluated: 2026-06-29. Review status: criteria provided, single submitter. Criteria: Ambry Variant Classification Scheme 2023. Collection method: clinical testing. Allele origin: germline.
Comment: The p.Y271* pathogenic mutation (also known as c.813C>G), located in coding exon 6 of the POT1 gene, results from a C to G substitution at nucleotide position 813. This changes the amino acid from a tyrosine to a stop codon within coding exon 6. This variant is considered to be rare based on population cohorts in the Genome Aggregation Database (gnomAD). This alteration is expected to result in loss of function by premature protein truncation or nonsense-mediated mRNA decay. As such, this alteration is interpreted as a disease-causing mutation.